The following is an entry in ClinVar:

NM_012210.4(TRIM32):c.1642G>A (p.Gly548Ser)

Genes: ASTN2 (astrotactin 2; minus strand), TRIM32 (tripartite motif containing 32; plus strand). Cytogenetic location: 9q33.1.
Variant type: single nucleotide variant.
Coding change: c.1642G>A on transcript NM_012210.4 (MANE Select); coding-DNA position 1642, G replaced by A.
Protein change: p.Gly548Ser; replaces glycine 548 with serine.
Molecular consequence: missense variant. On other transcripts: intron variant (3).
Genome position (GRCh38, 1-based): chr9:116,699,384, G>A. VCF-style: chr9-116699384-G-A. GRCh37 (hg19) VCF-style: chr9-119461663-G-A.
Other names: c.1642G>A, p.Gly548Ser (NM_001099679.2, NM_001379048.1, NM_001379049.1 and 1 more transcripts); c.2653+26387C>T (NM_014010.5); c.2794+26387C>T (NM_001365069.1); c.2806+26387C>T (NM_001365068.1); short protein forms G548S.
Identifiers: ClinVar variation 661982 (VCV000661982.8), dbSNP rs946701093, ClinGen allele CA198771224.

ClinVar aggregate classification (germline): Uncertain significance. Review status: criteria provided, multiple submitters, no conflicts (2 of 4 stars). 3 submissions from 3 submitters: Uncertain significance (3). Last evaluated 2026-06-22.

Conditions:
TRIM32-related disorder. Also called: TRIM32-related condition.
Sarcotubular myopathy (LGMDR8). Also called: MUSCULAR DYSTROPHY, LIMB-GIRDLE, AUTOSOMAL RECESSIVE 8; Limb-girdle muscular dystrophy, type 2H; Hutterite type of muscular dystrophy; Autosomal recessive limb-girdle muscular dystrophy type 2H. Identifiers: Orphanet 1878, MedGen C0270968, MONDO:0009683, OMIM 254110.
Bardet-Biedl syndrome 11 (BBS11). Identifiers: Orphanet 110, MedGen C1859569, MONDO:0014439, OMIM 615988.
Bardet-Biedl syndrome (BBS). Identifiers: Orphanet 110, MedGen C0752166, MONDO:0015229.

Allele frequency attached by ClinVar (database versions not stated): gnomAD exomes 0.00001; TOPMed 0.00001; gnomAD 0.00001.
gnomAD v4.1: 4 of 1,614,072 alleles (0.00025%); highest among the groups gnomAD compares: African/African-American, 0.0013%; no homozygotes.

Submissions (3):

PreventionGenetics, part of Exact Sciences
Classification: Uncertain significance for TRIM32-related condition. Last evaluated: 2026-06-22. Review status: criteria provided, single submitter. Criteria: ACMG Guidelines, 2015. Collection method: clinical testing. Allele origin: germline.
Comment: The TRIM32 c.1642G>A variant is predicted to result in the amino acid substitution p.Gly548Ser. To our knowledge, this variant has not been reported in the literature. This variant is reported in 0.0062% of alleles in individuals of African descent in gnomAD. At this time, the clinical significance of this variant is uncertain due to the absence of conclusive functional and genetic evidence.

Fulgent Genetics
Classification: Uncertain significance for Sarcotubular myopathy; Bardet-Biedl syndrome 11. Last evaluated: 2024-05-04. Review status: criteria provided, single submitter. Criteria: ACMG Guidelines, 2015. Collection method: clinical testing. Allele origin: germline.

Labcorp Genetics (formerly Invitae), Labcorp
Classification: Uncertain significance for Bardet-Biedl syndrome. Last evaluated: 2022-03-08. Review status: criteria provided, single submitter. Criteria: Invitae Variant Classification Sherloc (09022015). Collection method: clinical testing. Allele origin: germline.
Comment: This sequence change replaces glycine, which is neutral and non-polar, with serine, which is neutral and polar, at codon 548 of the TRIM32 protein (p.Gly548Ser). This variant is present in population databases (no rsID available, gnomAD 0.007%). This missense change has been observed in individual(s) with clinical features of limb-girdle muscular dystrophy (Invitae). ClinVar contains an entry for this variant (Variation ID: 661982). Algorithms developed to predict the effect of missense changes on protein structure and function (SIFT, PolyPhen-2, Align-GVGD) all suggest that this variant is likely to be disruptive. In summary, the available evidence is currently insufficient to determine the role of this variant in disease. Therefore, it has been classified as a Variant of Uncertain Significance.